The following is an entry in ClinVar:

NM_000368.5(TSC1):c.499A>G (p.Lys167Glu)

Gene: TSC1 (TSC complex subunit 1; minus strand). Cytogenetic location: 9q34.13.
Variant type: single nucleotide variant.
Coding change: c.499A>G on transcript NM_000368.5 (MANE Select); coding-DNA position 499, A replaced by G.
Protein change: p.Lys167Glu; replaces lysine 167 with glutamic acid.
Molecular consequence: missense variant. On other transcripts: 5 prime UTR variant (5), non-coding transcript variant (5).
Genome position (GRCh38, 1-based): chr9:132,923,357, T>C on the plus strand (A>G on the coding strand, the complement: TSC1 is on the minus strand). VCF-style: chr9-132923357-T-C. GRCh37 (hg19) VCF-style: chr9-135798744-T-C.
Other names: c.499A>G, p.Lys167Glu (NM_001162426.2, NM_001406592.1, NM_001406593.1 and 16 more transcripts); c.346A>G, p.Lys116Glu (NM_001162427.2, NM_001406610.1, NM_001406611.1 and 2 more transcripts); c.136A>G, p.Lys46Glu (NM_001362177.2, NM_001406615.1, NM_001406616.1 and 10 more transcripts); c.-379A>G (NM_001406626.1, NM_001406627.1, NM_001406628.1); c.-521A>G (NM_001406629.1); c.-595A>G (NM_001406630.1); short protein forms K116E, K167E, K46E.
Identifiers: ClinVar variation 3719857 (VCV003719857.2).

ClinVar aggregate classification (germline): Uncertain significance (1 of 4 stars; one submission).

Conditions:
Tuberous sclerosis 1 (TSC1). Identifiers: Orphanet 805, MedGen C1854465, MONDO:0008612, OMIM 191100.

Submission:

Labcorp Genetics (formerly Invitae), Labcorp
Classification: Uncertain significance for Tuberous sclerosis 1. Last evaluated: 2024-09-19. Review status: criteria provided, single submitter. Criteria: Invitae Variant Classification Sherloc (09022015). Collection method: clinical testing. Allele origin: germline.
Comment: This sequence change replaces lysine, which is basic and polar, with glutamic acid, which is acidic and polar, at codon 167 of the TSC1 protein (p.Lys167Glu). This variant is not present in population databases (gnomAD no frequency). This variant has not been reported in the literature in individuals affected with TSC1-related conditions. Invitae Evidence Modeling of protein sequence and biophysical properties (such as structural, functional, and spatial information, amino acid conservation, physicochemical variation, residue mobility, and thermodynamic stability) indicates that this missense variant is not expected to disrupt TSC1 protein function with a negative predictive value of 95%. In summary, the available evidence is currently insufficient to determine the role of this variant in disease. Therefore, it has been classified as a Variant of Uncertain Significance.